The following is an entry in ClinVar:

NM_004100.5(EYA4):c.304C>T (p.Pro102Ser)

Genes: EYA4 (EYA transcriptional coactivator and phosphatase 4; plus strand), EYA4-AS2 (EYA4 antisense RNA 2; minus strand). Cytogenetic location: 6q23.2.
Variant type: single nucleotide variant.
Coding change: c.304C>T on transcript NM_004100.5 (MANE Select); coding-DNA position 304, C replaced by T.
Protein change: p.Pro102Ser; replaces proline 102 with serine.
Molecular consequence: missense variant. On other transcripts: intron variant (2).
Genome position (GRCh38, 1-based): chr6:133,456,582, C>T. VCF-style: chr6-133456582-C-T. GRCh37 (hg19) VCF-style: chr6-133777720-C-T.
Other names: c.304C>T, p.Pro102Ser (NM_001301013.2, NM_172105.4); c.235C>T, p.Pro79Ser (NM_001370458.1, NM_172103.4); c.209-4532C>T (NM_001370459.1, NM_001301012.2); short protein forms P79S, P102S.
Identifiers: ClinVar variation 1799241 (VCV001799241.2), dbSNP rs756612363, ClinGen allele CA148045873.

ClinVar aggregate classification (germline): Uncertain significance (1 of 4 stars; one submission).

Conditions:
Cardiovascular phenotype. Identifiers: MedGen CN230736.

Allele frequency attached by ClinVar (database versions not stated): TOPMed below 0.00001.

Submission:

Ambry Genetics
Classification: Uncertain significance for Cardiovascular phenotype. Last evaluated: 2022-05-02. Review status: criteria provided, single submitter. Criteria: Ambry Variant Classification Scheme 2023. Collection method: clinical testing. Allele origin: germline.
Comment: The p.P102S variant (also known as c.304C>T), located in coding exon 5 of the EYA4 gene, results from a C to T substitution at nucleotide position 304. The proline at codon 102 is replaced by serine, an amino acid with similar properties. This amino acid position is conserved. In addition, this alteration is predicted to be deleterious by in silico analysis. Since supporting evidence is limited at this time, the clinical significance of this alteration remains unclear.